The following is an entry in ClinVar:

ClinVar aggregate classification (germline): Likely pathogenic (1 of 4 stars; one submission).

Conditions:
Camptomelic dysplasia (CMPD). Also called: Campomelic Dysplasia; CMPD1/SRA1. Identifiers: Orphanet 140, MedGen C1861922, MONDO:0007251, OMIM 114290.

Submission:

Division of Genetic & Genomic Pathology, Hong Kong Children's Hospital
Classification: Likely pathogenic for Camptomelic dysplasia. Last evaluated: 2024-05-06. Review status: criteria provided, single submitter. Criteria: ACMG Guidelines, 2015. Collection method: clinical testing. Allele origin: germline. Affected: yes.
Comment: SOX9 c.845_848dup is a 4-base-pair nucleotide frameshift duplication located in the last exon (i.e. exon 3). It is not predicted to undergo nonsense-mediated mRNA decay. However, it is predicted to result in a frameshift in the C-terminus and affect more than 10% of the SRY-box transcription factor 9 protein. The variant is absent from control populations (gnomAD v2.1.1 and v4.1.0). It has not been reported in Human Gene Mutation Database (v2024.1) or ClinVar. Multiple downstream frameshift or nonsense SOX9 variants have been reported to be disease-causing (PMID: 7990924, 31389106). For these reasons, this variant is classified as likely pathogenic.

Literature cited by the submitters: PubMed 7990924; PubMed 31389106.

NM_000346.4(SOX9):c.845_848dup (p.Ser284fs)

Gene: SOX9 (SRY-box transcription factor 9; plus strand). Cytogenetic location: 17q24.3.
Variant type: Duplication.
Coding change: c.845_848dup on transcript NM_000346.4 (MANE Select); coding-DNA positions 845 to 848, 4 bases duplicated (TCAT; older notation c.845_848dupTCAT).
Protein change: p.Ser284fs; shifts the reading frame from serine 284.
Molecular consequence: frameshift variant.
Genome position (GRCh38, 1-based): chr17:72,123,702-72,123,705, TCAT duplicated. VCF-style (leftmost placement, unchanged base first): chr17-72123701-G-GTCAT. GRCh37 (hg19) VCF-style: chr17-70119842-G-GTCAT.
Other names: short protein forms S284fs.
Identifiers: ClinVar variation 4819693 (VCV004819693.1).
Genomic context (GRCh38, chr17:72,123,701, plus strand): 5'-GGGGGCAGACAGCCCCCTATCGACTTCCGCGACGTGGACATCGGCGAGCTGAGCAGCGAC[G>GTCAT]TCATCTCCAACATCGAGACCTTCGATGTCAACGAGTTTGACCAGTACCTGCCGCCCAACG-3'